The following is an entry in ClinVar:

ClinVar aggregate classification (germline): Pathogenic (1 of 4 stars; one submission).

Submission:

Labcorp Genetics (formerly Invitae), Labcorp
Classification: Pathogenic. Last evaluated: 2022-04-03. Review status: criteria provided, single submitter. Criteria: Invitae Variant Classification Sherloc (09022015). Collection method: clinical testing. Allele origin: germline.
Comment: This sequence change creates a premature translational stop signal (p.Thr201Asnfs*48) in the MPDZ gene. It is expected to result in an absent or disrupted protein product. Loss-of-function variants in MPDZ are known to be pathogenic (PMID: 23240096, 28556411). This variant is not present in population databases (gnomAD no frequency). This variant has not been reported in the literature in individuals affected with MPDZ-related conditions. For these reasons, this variant has been classified as Pathogenic.

Literature cited by the submitters: PubMed 23240096; PubMed 28556411.

NM_001378778.1(MPDZ):c.601dup (p.Thr201fs)

Gene: MPDZ (multiple PDZ domain crumbs cell polarity complex component; minus strand). Cytogenetic location: 9p23.
Variant type: Duplication.
Coding change: c.601dup on transcript NM_001378778.1 (MANE Select); coding-DNA position 601, one base duplicated (A; older notation c.601dupA).
Protein change: p.Thr201fs; shifts the reading frame from threonine 201.
Molecular consequence: frameshift variant.
Genome position (GRCh38, 1-based): chr9:13,222,379, T duplicated on the plus strand (A on the coding strand, the reverse complement: MPDZ is on the minus strand). VCF-style (leftmost placement, unchanged base first): chr9-13222378-G-GT. GRCh37 (hg19) VCF-style: chr9-13222377-G-GT.
Other names: c.601dup, p.Thr201fs (NM_001375421.1, NM_001375422.1, NM_001375423.1 and 14 more transcripts); short protein forms T201fs.
Identifiers: ClinVar variation 2116935 (VCV002116935.4), dbSNP rs1959180291, ClinGen allele CA1834314426.